The following is an entry in ClinVar:

ClinVar aggregate classification (germline): Benign/Likely benign. Review status: criteria provided, multiple submitters, no conflicts (2 of 4 stars). 5 submissions from 5 submitters: Benign (2); Likely benign (3). Last evaluated 2026-01-15.

Conditions:
Inborn genetic diseases. Identifiers: MedGen C0950123, MeSH D030342.
Neuropathy, hereditary sensory and autonomic, type 1C. Also called: HSAN IC; HSN IC. Identifiers: Orphanet 36386, MedGen C3150896, MONDO:0013337, OMIM 613640.

Allele frequency attached by ClinVar (database versions not stated): 1000 Genomes Project 0.00699; 1000 Genomes Project 30x 0.00718.
gnomAD v4.1: 2,400 of 1,613,612 alleles (0.15%); highest among the groups gnomAD compares: African/African-American, 2.6%; 36 homozygotes.

Submissions (5):

Labcorp Genetics (formerly Invitae), Labcorp
Classification: Benign for Neuropathy, hereditary sensory and autonomic, type 1C. Last evaluated: 2026-01-15. Review status: criteria provided, single submitter. Criteria: Invitae Variant Classification Sherloc (09022015). Collection method: clinical testing. Allele origin: germline.

Ambry Genetics
Classification: Likely benign for Inborn genetic diseases. Last evaluated: 2019-07-11. Review status: criteria provided, single submitter. Criteria: Ambry Variant Classification Scheme 2023. Collection method: clinical testing. Allele origin: germline.

Illumina Laboratory Services, Illumina
Classification: Likely benign for Neuropathy, hereditary sensory and autonomic, type 1C. Last evaluated: 2017-04-27. Review status: criteria provided, single submitter. Criteria: ICSL Variant Classification Criteria 13 December 2019. Collection method: clinical testing. Allele origin: germline.
Comment: This variant was observed as part of a predisposition screen in an ostensibly healthy population. A literature search was performed for the gene, cDNA change, and amino acid change (where applicable). Publications were found based on this search. The evidence from the literature, in combination with allele frequency data from public databases where available, was sufficient to determine this variant is unlikely to cause disease. Therefore, this variant is classified as likely benign.

GeneDx
Classification: Benign. Last evaluated: 2015-09-02. Review status: criteria provided, single submitter. Criteria: GeneDx Variant Classification (06012015). Collection method: clinical testing. Allele origin: germline. Affected: yes.
Comment: This variant is considered likely benign or benign based on one or more of the following criteria: it is a conservative change, it occurs at a poorly conserved position in the protein, it is predicted to be benign by multiple in silico algorithms, and/or has population frequency not consistent with disease.

Breakthrough Genomics
Classification: Likely benign. Review status: criteria provided, single submitter. Criteria: ACMG Guidelines, 2015. Collection method: not provided. Allele origin: germline. Inheritance: Autosomal dominant inheritance. Affected: yes.

Literature cited by the submitters: PubMed 19564159 (cited by Illumina Laboratory Services, Illumina).

NM_004863.4(SPTLC2):c.723G>A (p.Thr241=)

Gene: SPTLC2 (serine palmitoyltransferase long chain base subunit 2; minus strand). Cytogenetic location: 14q24.3.
Variant type: single nucleotide variant.
Coding change: c.723G>A on transcript NM_004863.4 (MANE Select); coding-DNA position 723, G replaced by A.
Protein change: p.Thr241=; no amino-acid change (threonine 241 retained).
Molecular consequence: synonymous variant.
Genome position (GRCh38, 1-based): chr14:77,570,417, C>T on the plus strand (G>A on the coding strand, the complement: SPTLC2 is on the minus strand). VCF-style: chr14-77570417-C-T. GRCh37 (hg19) VCF-style: chr14-78036760-C-T.
Identifiers: ClinVar variation 314676 (VCV000314676.18), dbSNP rs114519796, ClinGen allele CA7289391.